The following is an entry in ClinVar:

NM_004230.4(S1PR2):c.650G>A (p.Arg217His)

Gene: S1PR2 (sphingosine-1-phosphate receptor 2; minus strand). Cytogenetic location: 19p13.2.
Variant type: single nucleotide variant.
Coding change: c.650G>A on transcript NM_004230.4 (MANE Select); coding-DNA position 650, G replaced by A.
Protein change: p.Arg217His; replaces arginine 217 with histidine.
Molecular consequence: missense variant.
Genome position (GRCh38, 1-based): chr19:10,224,256, C>T on the plus strand (G>A on the coding strand, the complement: S1PR2 is on the minus strand). VCF-style: chr19-10224256-C-T. GRCh37 (hg19) VCF-style: chr19-10334932-C-T.
Other names: c.650G>A (NM_004230.3); short protein forms R217H.
Identifiers: ClinVar variation 2068875 (VCV002068875.3), dbSNP rs138962414, ClinGen allele CA9189055.

ClinVar aggregate classification (germline): Uncertain significance. Review status: criteria provided, multiple submitters, no conflicts (2 of 4 stars). 3 submissions from 3 submitters: Uncertain significance (3). Last evaluated 2024-12-13.

Conditions:
Inborn genetic diseases. Identifiers: MedGen C0950123, MeSH D030342.
S1PR2-related disorder. Also called: S1PR2-related condition.

Allele frequency attached by ClinVar (database versions not stated): ExAC 0.00003; gnomAD 0.00003; TOPMed 0.00004; gnomAD exomes 0.00009; ESP Exome Variant Server 0.00015.
gnomAD v4.1: 131 of 1,613,790 alleles (0.0081%); highest among the groups gnomAD compares: Non-Finnish European, 0.01%; no homozygotes.

Submissions (3):

PreventionGenetics, part of Exact Sciences
Classification: Uncertain significance for S1PR2-related condition. Last evaluated: 2024-12-13. Review status: criteria provided, single submitter. Criteria: ACMG Guidelines, 2015. Collection method: clinical testing. Allele origin: germline.
Comment: The S1PR2 c.650G>A variant is predicted to result in the amino acid substitution p.Arg217His. To our knowledge, this variant has not been reported in the literature. This variant is reported in 0.0065% of alleles in individuals of South Asian descent in gnomAD. At this time, the clinical significance of this variant is uncertain due to the absence of conclusive functional and genetic evidence.

Ambry Genetics
Classification: Uncertain significance for Inborn genetic diseases. Last evaluated: 2024-03-05. Review status: criteria provided, single submitter. Criteria: Ambry Variant Classification Scheme 2023. Collection method: clinical testing. Allele origin: germline.

Labcorp Genetics (formerly Invitae), Labcorp
Classification: Uncertain significance. Last evaluated: 2022-08-20. Review status: criteria provided, single submitter. Criteria: Invitae Variant Classification Sherloc (09022015). Collection method: clinical testing. Allele origin: germline.
Comment: This sequence change replaces arginine, which is basic and polar, with histidine, which is basic and polar, at codon 217 of the S1PR2 protein (p.Arg217His). This variant is present in population databases (rs138962414, gnomAD 0.006%). This variant has not been reported in the literature in individuals affected with S1PR2-related conditions. Algorithms developed to predict the effect of missense changes on protein structure and function are either unavailable or do not agree on the potential impact of this missense change (SIFT: "Deleterious"; PolyPhen-2: "Benign"; Align-GVGD: "Class C0"). In summary, the available evidence is currently insufficient to determine the role of this variant in disease. Therefore, it has been classified as a Variant of Uncertain Significance.